The following is an entry in ClinVar:

ClinVar aggregate classification (germline): Uncertain significance. Review status: criteria provided, multiple submitters, no conflicts (2 of 4 stars). 2 submissions from 2 submitters: Uncertain significance (2). Last evaluated 2024-04-15.

Conditions:
Euthyroid goiter (MNG1). Also called: Goiter, multinodular 1, with or without Sertoli-Leydig cell tumors; GOITER, NONTOXIC, WITH INTRATHYROIDAL CALCIFICATION; MULTINODULAR GOITER, ADOLESCENT; SIMPLE GOITER. Identifiers: Orphanet 276399, MedGen C0302859, MONDO:0007681, OMIM 138800, HP:0009798.
Rhabdomyosarcoma, embryonal, 2 (RMSE2). Identifiers: MedGen C1867234, MONDO:0859046, OMIM 180295.
Global developmental delay - lung cysts - overgrowth - Wilms tumor syndrome. Also called: GLOW Syndrome; GLOBAL DEVELOPMENTAL DELAY, LUNG CYSTS, OVERGROWTH, AND WILMS TUMOR. Identifiers: Orphanet 404476, MedGen C4748924, MONDO:0018445, OMIM 618272.
Pleuropulmonary blastoma (PPB). Identifiers: Orphanet 64742, MedGen C1266144, MONDO:0011014, OMIM 601200, HP:0100528.
Hereditary cancer-predisposing syndrome. Also called: Neoplastic Syndromes, Hereditary; Tumor predisposition; Hereditary Cancer Syndrome; Hereditary neoplastic syndrome. Identifiers: Orphanet 140162, MedGen C0027672, MeSH D009386, MONDO:0015356.

Allele frequency attached by ClinVar (database versions not stated): gnomAD exomes below 0.00001.
gnomAD v4.1: 4 of 1,613,724 alleles (0.00025%); highest among the groups gnomAD compares: Non-Finnish European, 0.00034%; no homozygotes.

Submissions (2):

Fulgent Genetics
Classification: Uncertain significance for Euthyroid goiter; Rhabdomyosarcoma, embryonal, 2; Pleuropulmonary blastoma; Global developmental delay - lung cysts - overgrowth - Wilms tumor syndrome. Last evaluated: 2024-04-15. Review status: criteria provided, single submitter. Criteria: ACMG Guidelines, 2015. Collection method: clinical testing. Allele origin: germline.

Ambry Genetics
Classification: Uncertain significance for Hereditary cancer-predisposing syndrome. Last evaluated: 2022-05-30. Review status: criteria provided, single submitter. Criteria: Ambry Variant Classification Scheme 2023. Collection method: clinical testing. Allele origin: germline.
Comment: The p.W138G variant (also known as c.412T>G), located in coding exon 3 of the DICER1 gene, results from a T to G substitution at nucleotide position 412. The tryptophan at codon 138 is replaced by glycine, an amino acid with highly dissimilar properties. This amino acid position is conserved. In addition, the in silico prediction for this alteration is inconclusive. Since supporting evidence is limited at this time, the clinical significance of this alteration remains unclear.

NM_177438.3(DICER1):c.412T>G (p.Trp138Gly)

Gene: DICER1 (dicer 1, ribonuclease III; minus strand). Cytogenetic location: 14q32.13.
Variant type: single nucleotide variant.
Coding change: c.412T>G on transcript NM_177438.3 (MANE Select); coding-DNA position 412, T replaced by G.
Protein change: p.Trp138Gly; replaces tryptophan 138 with glycine.
Molecular consequence: missense variant. On other transcripts: 5 prime UTR variant (2), non-coding transcript variant (5), intron variant (6).
Genome position (GRCh38, 1-based): chr14:95,131,535, A>C on the plus strand (T>G on the coding strand, the complement: DICER1 is on the minus strand). VCF-style: chr14-95131535-A-C. GRCh37 (hg19) VCF-style: chr14-95597872-A-C.
Other names: c.412T>G, p.Trp138Gly (NM_001195573.1, NM_001271282.3, NM_001291628.2 and 15 more transcripts); c.130T>G, p.Trp44Gly (NM_001395686.1); c.-47T>G (NM_001395691.1); c.-1157T>G (NM_001395697.1); c.33+980T>G (NM_001395690.1, NM_001395687.1, NM_001395689.1 and 3 more transcripts); short protein forms W138G, W44G.
Identifiers: ClinVar variation 1738079 (VCV001738079.3), dbSNP rs2543339807, ClinGen allele CA390888896.